The following is an entry in ClinVar:

NM_000051.4(ATM):c.2242A>C (p.Lys748Gln)

Gene: ATM (ATM serine/threonine kinase; plus strand). Cytogenetic location: 11q22.3.
Variant type: single nucleotide variant.
Coding change: c.2242A>C on transcript NM_000051.4 (MANE Select); coding-DNA position 2242, A replaced by C.
Protein change: p.Lys748Gln; replaces lysine 748 with glutamine.
Molecular consequence: missense variant.
Genome position (GRCh38, 1-based): chr11:108,256,332, A>C. VCF-style: chr11-108256332-A-C. GRCh37 (hg19) VCF-style: chr11-108127059-A-C.
Other names: c.2242A>C, p.Lys748Gln (NM_001351834.2); short protein forms K748Q.
Identifiers: ClinVar variation 2587779 (VCV002587779.2), dbSNP rs2135394741, ClinGen allele CA382539256.
Genomic context (GRCh38, chr11:108,256,332, plus strand): 5'-TGCTACTGTTACATGGGTGTAATAGCTGAAGAGGAAGCATATAAGTCAGAATTATTCCAG[A>C]AAGCCAAGGTAGGAGAATTTATACTAATAAAGTTTCGGATAAATTTGAATGAAATGTATT-3'
Protein context (NP_000042.3, residues 738-758): EEAYKSELFQ[Lys748Gln]AKSLMQCAGE

ClinVar aggregate classification (germline): Uncertain significance (1 of 4 stars; one submission).

Conditions:
Hereditary cancer-predisposing syndrome. Also called: Tumor predisposition; Hereditary Cancer Syndrome; Hereditary neoplastic syndrome; Neoplastic Syndromes, Hereditary. Identifiers: Orphanet 140162, MedGen C0027672, MeSH D009386, MONDO:0015356.

Submission:

Ambry Genetics
Classification: Uncertain significance for Hereditary cancer-predisposing syndrome. Last evaluated: 2023-07-08. Review status: criteria provided, single submitter. Criteria: Ambry Variant Classification Scheme 2023. Collection method: clinical testing. Allele origin: germline.
Comment: The p.K748Q variant (also known as c.2242A>C), located in coding exon 13 of the ATM gene, results from an A to C substitution at nucleotide position 2242. The lysine at codon 748 is replaced by glutamine, an amino acid with similar properties. This amino acid position is conserved. In addition, the in silico prediction for this alteration is inconclusive. Since supporting evidence is limited at this time, the clinical significance of this alteration remains unclear.